The following is an entry in ClinVar:

NM_001410764.1(FANCB):c.2692T>C (p.Leu898=)

Gene: FANCB (FA complementation group B; minus strand). Cytogenetic location: Xp22.2.
Variant type: single nucleotide variant.
Coding change: c.2692T>C on transcript NM_001410764.1; coding-DNA position 2692, T replaced by C.
Protein change: p.Leu898=; no amino-acid change (leucine 898 retained).
Molecular consequence: synonymous variant.
Genome position (GRCh38, 1-based): chrX:14,796,834, A>G on the plus strand (T>C on the coding strand, the complement: FANCB is on the minus strand). VCF-style: chrX-14796834-A-G. GRCh37 (hg19) VCF-style: chrX-14814956-A-G.
Identifiers: ClinVar variation 3067472 (VCV003067472.20), dbSNP rs752613260, ClinGen allele CA327036670.

ClinVar aggregate classification (germline): Likely benign (1 of 4 stars; one submission).

Allele frequency attached by ClinVar (database versions not stated): gnomAD 0.00013; TOPMed 0.00013.
gnomAD v4.1: 14 of 109,470 alleles (0.013%); highest among the groups gnomAD compares: Non-Finnish European, 0.023%; no homozygotes.

Submission:

CeGaT Center for Human Genetics Tuebingen
Classification: Likely benign. Last evaluated: 2024-03-01. Review status: criteria provided, single submitter. Criteria: CeGaT Center For Human Genetics Tuebingen Variant Classification Criteria Version 2. Collection method: clinical testing. Allele origin: germline. Affected: yes. Observed: 1 variant allele.
Comment: FANCB: BS2